The following is an entry in ClinVar:

NM_153460.4(IL17RC):c.1756G>A (p.Val586Met)

Gene: IL17RC (interleukin 17 receptor C; plus strand). Cytogenetic location: 3p25.3.
Variant type: single nucleotide variant.
Coding change: c.1756G>A on transcript NM_153460.4 (MANE Select); coding-DNA position 1756, G replaced by A.
Protein change: p.Val586Met; replaces valine 586 with methionine.
Molecular consequence: missense variant. On other transcripts: non-coding transcript variant (1).
Genome position (GRCh38, 1-based): chr3:9,933,186, G>A. VCF-style: chr3-9933186-G-A. GRCh37 (hg19) VCF-style: chr3-9974870-G-A.
Other names: c.1717G>A, p.Val573Met (NM_001203263.2); c.1666G>A, p.Val556Met (NM_001203264.2); c.1660G>A, p.Val554Met (NM_001203265.2); c.1678G>A, p.Val560Met (NM_001367278.1); c.1597G>A, p.Val533Met (NM_001367279.1); c.1672G>A, p.Val558Met (NM_001367280.1); c.1621G>A, p.Val541Met (NM_001410711.1); c.1711G>A, p.Val571Met (NM_032732.6); and 1 more; short protein forms V556M, V558M, V657M, V571M, V541M, V554M, V586M, V533M.
Identifiers: ClinVar variation 2053294 (VCV002053294.4), dbSNP rs1205400619, ClinGen allele CA351705845.

ClinVar aggregate classification (germline): Uncertain significance (1 of 4 stars; one submission).

Conditions:
Candidiasis, familial, 9 (CANDF9). Identifiers: Orphanet 1334, MedGen C4225324, MONDO:0014642, OMIM 616445.

gnomAD v4.1: 1 of 1,608,226 alleles (0.000062%); highest among the groups gnomAD compares: Non-Finnish European, 0.000085%; no homozygotes.

Submission:

Labcorp Genetics (formerly Invitae), Labcorp
Classification: Uncertain significance for Candidiasis, familial, 9. Last evaluated: 2024-05-06. Review status: criteria provided, single submitter. Criteria: Invitae Variant Classification Sherloc (09022015). Collection method: clinical testing. Allele origin: germline.
Comment: This sequence change replaces valine, which is neutral and non-polar, with methionine, which is neutral and non-polar, at codon 657 of the IL17RC protein (p.Val657Met). This variant is not present in population databases (gnomAD no frequency). This variant has not been reported in the literature in individuals affected with IL17RC-related conditions. ClinVar contains an entry for this variant (Variation ID: 2053294). An algorithm developed to predict the effect of missense changes on protein structure and function (PolyPhen-2) suggests that this variant is likely to be disruptive. In summary, the available evidence is currently insufficient to determine the role of this variant in disease. Therefore, it has been classified as a Variant of Uncertain Significance.